The following is an entry in ClinVar:

NM_183357.3(ADCY5):c.487C>T (p.Arg163Trp)

Gene: ADCY5 (adenylate cyclase 5; minus strand). Cytogenetic location: 3q21.1.
Variant type: single nucleotide variant.
Coding change: c.487C>T on transcript NM_183357.3 (MANE Select); coding-DNA position 487, C replaced by T.
Protein change: p.Arg163Trp; replaces arginine 163 with tryptophan.
Molecular consequence: missense variant.
Genome position (GRCh38, 1-based): chr3:123,448,059, G>A on the plus strand (C>T on the coding strand, the complement: ADCY5 is on the minus strand). VCF-style: chr3-123448059-G-A. GRCh37 (hg19) VCF-style: chr3-123166906-G-A.
Other names: c.487C>T, p.Arg163Trp (NM_001378259.1); short protein forms R163W.
Identifiers: ClinVar variation 2446243 (VCV002446243.1), dbSNP rs1945859969, ClinGen allele CA354357676.

ClinVar aggregate classification (germline): Uncertain significance (1 of 4 stars; one submission).

Submission:

GeneDx
Classification: Uncertain significance. Last evaluated: 2022-09-22. Review status: criteria provided, single submitter. Criteria: GeneDx Variant Classification Process June 2021. Collection method: clinical testing. Allele origin: germline. Affected: yes.
Comment: Not observed at significant frequency in large population cohorts (gnomAD); In silico analysis supports that this missense variant does not alter protein structure/function; Has not been previously published as pathogenic or benign to our knowledge